The following is an entry in ClinVar:

ClinVar aggregate classification (germline): Uncertain significance (1 of 4 stars; one submission).

Conditions:
PKD1-related disorder. Also called: PKD1-related condition.

Submission:

PreventionGenetics, part of Exact Sciences
Classification: Uncertain significance for PKD1-related condition. Last evaluated: 2026-05-29. Review status: criteria provided, single submitter. Criteria: ACMG Guidelines, 2015. Collection method: clinical testing. Allele origin: germline.
Comment: The PKD1 c.10682T>C variant is predicted to result in the amino acid substitution p.Leu3561Pro. To our knowledge, this variant has not been reported in the literature or in a large population database (gnomAD), indicating this variant is rare. At this time, the clinical significance of this variant is uncertain due to the absence of conclusive functional and genetic evidence.

NM_001009944.3(PKD1):c.10682T>C (p.Leu3561Pro)

Genes: PKD1 (polycystin 1, transient receptor potential channel interacting; minus strand), PKD1-AS1 (PKD1 antisense RNA 1; plus strand). Cytogenetic location: 16p13.3.
Variant type: single nucleotide variant.
Coding change: c.10682T>C on transcript NM_001009944.3 (MANE Select); coding-DNA position 10682, T replaced by C.
Protein change: p.Leu3561Pro; replaces leucine 3561 with proline.
Molecular consequence: missense variant.
Genome position (GRCh38, 1-based): chr16:2,093,950, A>G on the plus strand (T>C on the coding strand, the complement: PKD1 is on the minus strand). VCF-style: chr16-2093950-A-G. GRCh37 (hg19) VCF-style: chr16-2143951-A-G.
Other names: c.10679T>C, p.Leu3560Pro (NM_000296.4); short protein forms L3560P, L3561P.
Identifiers: ClinVar variation 4991645 (VCV004991645.1).
Genomic context (GRCh38, chr16:2,093,950, plus strand): 5'-GGGAAGCTCGCACCCACCCACCCTGAGACAGCCACAGCCACAGCCACCAGGAGCAGGCTG[A>G]GCCCGTGGGCCAGGGAGGCACACCAGGCCGGCAGCAGGCGCTTCCGCAGACCCTCCACCA-3'
Protein context (NP_001009944.3, residues 3551-3571): PAWCASLAHG[Leu3561Pro]SLLLVAVAVA